The following is an entry in ClinVar:

NM_172107.4(KCNQ2):c.340A>G (p.Thr114Ala)

Gene: KCNQ2 (potassium voltage-gated channel subfamily Q member 2; minus strand). Cytogenetic location: 20q13.33.
Variant type: single nucleotide variant.
Coding change: c.340A>G on transcript NM_172107.4 (MANE Select); coding-DNA position 340, A replaced by G.
Protein change: p.Thr114Ala; replaces threonine 114 with alanine.
Molecular consequence: missense variant.
Genome position (GRCh38, 1-based): chr20:63,446,794, T>C on the plus strand (A>G on the coding strand, the complement: KCNQ2 is on the minus strand). VCF-style: chr20-63446794-T-C. GRCh37 (hg19) VCF-style: chr20-62078147-T-C.
Other names: c.340A>G, p.Thr114Ala (NM_004518.6, NM_172106.3, NM_172108.5 and 1 more transcripts); short protein forms T114A.
Identifiers: ClinVar variation 369741 (VCV000369741.5), dbSNP rs1057516076, ClinGen allele CA10654835.

ClinVar aggregate classification (germline): Pathogenic. Review status: criteria provided, single submitter (1 of 4 stars). 2 submissions from 2 submitters: Pathogenic (1). 1 of the submissions does not count toward it. Last evaluated 2023-10-16.

Conditions:
Early-infantile DEE. Also called: Early infantile epileptic encephalopathy; Ohtahara syndrome; Early infantile epileptic encephalopathy with suppression bursts. Identifiers: Orphanet 1934, MedGen C0393706, MONDO:0800491.
Seizures, benign familial neonatal, 1. Also called: KCNQ2-Related Benign Familial Neonatal Epilepsy; Benign Neonatal Epilepsy 1; KCNQ2-Related Self-Limited Familial Neonatal Epilepsy (SLFNE); Seizures, benign neonatal, 1. Identifiers: Orphanet 1949, MedGen C3149074, MONDO:0007365, OMIM 121200.

Submissions (2):

Labcorp Genetics (formerly Invitae), Labcorp
Classification: Pathogenic for Early-infantile DEE. Last evaluated: 2023-10-16. Review status: criteria provided, single submitter. Criteria: Invitae Variant Classification Sherloc (09022015). Collection method: clinical testing. Allele origin: germline.
Comment: This sequence change replaces threonine, which is neutral and polar, with alanine, which is neutral and non-polar, at codon 114 of the KCNQ2 protein (p.Thr114Ala). This variant is not present in population databases (gnomAD no frequency). This missense change has been observed in individuals with KCNQ2-related conditions (PMID: 25982755; Invitae). ClinVar contains an entry for this variant (Variation ID: 369741). Advanced modeling of protein sequence and biophysical properties (such as structural, functional, and spatial information, amino acid conservation, physicochemical variation, residue mobility, and thermodynamic stability) performed at Invitae indicates that this missense variant is expected to disrupt KCNQ2 protein function. This variant disrupts the p.Thr114 amino acid residue in KCNQ2. Other variant(s) that disrupt this residue have been determined to be pathogenic (PMID: 22926866). This suggests that this residue is clinically significant, and that variants that disrupt this residue are likely to be disease-causing. For these reasons, this variant has been classified as Pathogenic.

GeneReviews
No classification provided. Condition: Seizures, benign familial neonatal, 1. Review status: no classification provided. Collection method: literature only. Allele origin: germline. Affected: yes. Not counted in ClinVar's aggregate classification.
Comment: BFNE (benign familial neonatal epilepsy) with later seizure recurrence

Literature cited by the submitters: PubMed 25982755 (cited by Labcorp Genetics (formerly Invitae), Labcorp and GeneReviews); PubMed 22926866 (cited by Labcorp Genetics (formerly Invitae), Labcorp); NCBI Bookshelf NBK32534 (cited by GeneReviews).